The following is an entry in ClinVar:

ClinVar aggregate classification (germline): Uncertain significance (1 of 4 stars; one submission).

Allele frequency attached by ClinVar (database versions not stated): gnomAD exomes below 0.00001; ExAC 0.00001; gnomAD 0.00001; TOPMed 0.00003.
gnomAD v4.1: 6 of 1,603,796 alleles (0.00037%); highest among the groups gnomAD compares: East Asian, 0.0022%; no homozygotes.

Submission:

GeneDx
Classification: Uncertain significance. Last evaluated: 2022-03-07. Review status: criteria provided, single submitter. Criteria: GeneDx Variant Classification Process June 2021. Collection method: clinical testing. Allele origin: germline. Affected: yes.
Comment: Identified in a patient with a neurodevelopmental disorder in published literature (Wang 2020); In silico analysis supports that this missense variant has a deleterious effect on protein structure/function; Not observed at significant frequency in large population cohorts (gnomAD); This variant is associated with the following publications: (PMID: 33004838)

NM_017934.7(PHIP):c.2903G>A (p.Arg968Gln)

Genes: IRAK1BP1 (interleukin 1 receptor associated kinase 1 binding protein 1; plus strand), PHIP (PHIP subunit of CUL4-Ring ligase complex; minus strand). Cytogenetic location: 6q14.1.
Variant type: single nucleotide variant.
Coding change: c.2903G>A on transcript NM_017934.7 (MANE Select); coding-DNA position 2903, G replaced by A.
Protein change: p.Arg968Gln; replaces arginine 968 with glutamine.
Molecular consequence: missense variant.
Genome position (GRCh38, 1-based): chr6:78,970,875, C>T on the plus strand (G>A on the coding strand, the complement: PHIP is on the minus strand). VCF-style: chr6-78970875-C-T. GRCh37 (hg19) VCF-style: chr6-79680592-C-T.
Other names: short protein forms R968Q.
Identifiers: ClinVar variation 1704800 (VCV001704800.2), dbSNP rs747676400, ClinGen allele CA3899824.